The following is an entry in ClinVar:

NM_001130965.3(SUN1):c.659-2A>G

Gene: SUN1 (Sad1 and UNC84 domain containing 1; plus strand). Cytogenetic location: 7p22.3.
Variant type: single nucleotide variant.
Coding change: c.659-2A>G on transcript NM_001130965.3 (MANE Select); the canonical splice acceptor site of the intron before coding-DNA position 659, A replaced by G.
Molecular consequence: splice acceptor variant. On other transcripts: intron variant (12).
Genome position (GRCh38, 1-based): chr7:851,382, A>G. VCF-style: chr7-851382-A-G. GRCh37 (hg19) VCF-style: chr7-891019-A-G.
Other names: c.659-2A>G (NM_001367634.1, NM_001367633.1, NM_001367653.1 and 3 more transcripts); c.1073-2A>G (NM_001367651.1); c.686-2A>G (NM_001367669.1); c.1052-2A>G (NM_001367705.1, NM_001367703.1, NM_001367678.1 and 2 more transcripts); c.1052-568A>G (NM_001367690.1); c.941-2A>G (NM_001367641.1, NM_001367682.1, NM_001367698.1); c.941-568A>G (NM_001367676.1, NM_001367675.1, NM_001367640.1); c.968-2A>G (NM_001367692.1, NM_001367677.1); and 24 more.
Identifiers: ClinVar variation 2038433 (VCV002038433.4), dbSNP rs1329817920, ClinGen allele CA366528649.

ClinVar aggregate classification (germline): Uncertain significance (1 of 4 stars; one submission).

Conditions:
Emery-Dreifuss muscular dystrophy (EDMD). Also called: Scapuloperoneal syndrome, X-linked (formerly); Humeroperoneal neuromuscular disease, (formerly). Identifiers: Orphanet 261, MedGen C0410189, MONDO:0016830.

Allele frequency attached by ClinVar (database versions not stated): TOPMed below 0.00001; gnomAD exomes 0.00001.
gnomAD v4.1: 16 of 1,596,328 alleles (0.001%); highest among the groups gnomAD compares: Non-Finnish European, 0.0014%; no homozygotes.

Submission:

Labcorp Genetics (formerly Invitae), Labcorp
Classification: Uncertain significance for Emery-Dreifuss muscular dystrophy. Last evaluated: 2023-06-10. Review status: criteria provided, single submitter. Criteria: Invitae Variant Classification Sherloc (09022015). Collection method: clinical testing. Allele origin: germline.
Comment: In summary, the available evidence is currently insufficient to determine the role of this variant in disease. Therefore, it has been classified as a Variant of Uncertain Significance. Algorithms developed to predict the effect of sequence changes on RNA splicing suggest that this variant may disrupt the consensus splice site. ClinVar contains an entry for this variant (Variation ID: 2038433). This variant has not been reported in the literature in individuals affected with SUN1-related conditions. This variant is present in population databases (no rsID available, gnomAD 0.002%). This sequence change affects an acceptor splice site in intron 5 of the SUN1 gene. It is expected to disrupt RNA splicing. Variants that disrupt the donor or acceptor splice site typically lead to a loss of protein function (PMID: 16199547), however the current clinical and genetic evidence is not sufficient to establish whether loss-of-function variants in SUN1 cause disease.

Literature cited by the submitters: PubMed 16199547.